The following is an entry in ClinVar:

NM_004036.5(ADCY3):c.1644C>T (p.Pro548=)

Gene: ADCY3 (adenylate cyclase 3; minus strand). Cytogenetic location: 2p23.3.
Variant type: single nucleotide variant.
Coding change: c.1644C>T on transcript NM_004036.5 (MANE Select); coding-DNA position 1644, C replaced by T.
Protein change: p.Pro548=; no amino-acid change (proline 548 retained).
Molecular consequence: synonymous variant.
Genome position (GRCh38, 1-based): chr2:24,836,935, G>A on the plus strand (C>T on the coding strand, the complement: ADCY3 is on the minus strand). VCF-style: chr2-24836935-G-A. GRCh37 (hg19) VCF-style: chr2-25059804-G-A.
Other names: c.1644C>T, p.Pro548= (NM_001320613.2, NM_001377129.1, NM_001377130.1 and 1 more transcripts); c.1710C>T, p.Pro570= (NM_001377128.1); c.921C>T, p.Pro307= (NM_001377131.1).
Identifiers: ClinVar variation 3357878 (VCV003357878.1).

ClinVar aggregate classification (germline): Likely benign (0 of 4 stars; one submission).

Conditions:
ADCY3-related disorder. Also called: ADCY3-related condition.

gnomAD v4.1: 38 of 1,613,124 alleles (0.0024%); highest among the groups gnomAD compares: Non-Finnish European, 0.0028%; no homozygotes.

Submission:

PreventionGenetics, part of Exact Sciences
Classification: Likely benign for ADCY3-related condition. Last evaluated: 2024-06-19. Review status: no assertion criteria provided. Collection method: clinical testing. Allele origin: germline.
Comment: This variant is classified as likely benign based on ACMG/AMP sequence variant interpretation guidelines (Richards et al. 2015 PMID: 25741868, with internal and published modifications).